The following is an entry in ClinVar:

ClinVar aggregate classification (germline): Uncertain significance. Review status: criteria provided, multiple submitters, no conflicts (2 of 4 stars). 2 submissions from 2 submitters: Uncertain significance (2). Last evaluated 2020-02-29.

Conditions:
Neuronopathy, distal hereditary motor, autosomal recessive 4. Also called: Autosomal recessive lower motor neuron disease with childhood onset; NEUROPATHY, DISTAL HEREDITARY MOTOR, AUTOSOMAL RECESSIVE 4. Identifiers: Orphanet 206580, MedGen C1970211, MONDO:0012608, OMIM 611067.
Charcot-Marie-Tooth disease recessive intermediate C. Also called: CHARCOT-MARIE-TOOTH NEUROPATHY, RECESSIVE INTERMEDIATE C. Identifiers: Orphanet 369867, MedGen C3809309, MONDO:0014154, OMIM 615376.

Submissions (2):

Labcorp Genetics (formerly Invitae), Labcorp
Classification: Uncertain significance for Neuronopathy, distal hereditary motor, autosomal recessive 4; Charcot-Marie-Tooth disease recessive intermediate C. Last evaluated: 2020-02-29. Review status: criteria provided, single submitter. Criteria: Invitae Variant Classification Sherloc (09022015). Collection method: clinical testing. Allele origin: germline.
Comment: In summary, the available evidence is currently insufficient to determine the role of this variant in disease. Therefore, it has been classified as a Variant of Uncertain Significance. Experimental studies and prediction algorithms are not available for this variant, and the functional significance of the affected amino acid(s) is currently unknown. This variant has not been reported in the literature in individuals with PLEKHG5-related conditions. This variant is not present in population databases (ExAC no frequency). This variant, c.1598_1612del, results in the deletion of 5 amino acid(s) of the PLEKHG5 protein (p.Gln533_Arg537del), but otherwise preserves the integrity of the reading frame.

CeGaT Center for Human Genetics Tuebingen
Classification: Uncertain significance. Last evaluated: 2018-05-01. Review status: criteria provided, single submitter. Criteria: CeGaT Center For Human Genetics Tuebingen Variant Classification Criteria Version 2. Collection method: clinical testing. Allele origin: germline. Affected: yes. Observed: 1 variant allele.

NM_020631.6(PLEKHG5):c.1598_1612del (p.Gln533_Arg537del)

Gene: PLEKHG5 (pleckstrin homology and RhoGEF domain containing G5; minus strand). Cytogenetic location: 1p36.31.
Variant type: Deletion.
Coding change: c.1598_1612del on transcript NM_020631.6 (MANE Select); coding-DNA positions 1598 to 1612, 15 bases deleted (AGGAGCGGCAGCGGC).
Protein change: p.Gln533_Arg537del.
Molecular consequence: inframe deletion. On other transcripts: inframe indel (4).
Genome position (GRCh38, 1-based): chr1:6,470,574-6,470,588, GCCGCTGCCGCTCCT deleted on the plus strand (AGGAGCGGCAGCGGC on the coding strand, the reverse complement: PLEKHG5 is on the minus strand); deleting any 15 consecutive bases within chr1:6,470,574-6,470,599 gives the same sequence; the c. name uses the placement nearest the transcript's 3' end. VCF-style (leftmost placement, unchanged base first): chr1-6470573-AGCCGCTGCCGCTCCT-A. GRCh37 (hg19) VCF-style: chr1-6530633-AGCCGCTGCCGCTCCT-A.
Other names: c.1709_1723del, p.Gln570_Arg574del (NM_001042663.3, NM_001265592.2); c.1587_1601delGCGGCAGCGGCAGGA, p.Gln533_Arg537del (NM_001042664.2, NM_001042665.2, NM_001265594.3); c.1794_1808delGCGGCAGCGGCAGGA, p.Gln602_Arg606del (NM_001265593.2); c.1598_1612del, p.Gln533_Arg537del (NM_198681.4).
Identifiers: ClinVar variation 623667 (VCV000623667.49), dbSNP rs1557739505, ClinGen allele CA913189288.